The following is an entry in ClinVar:

NM_007347.5(AP4E1):c.1379A>G (p.Asp460Gly)

Gene: AP4E1 (adaptor related protein complex 4 subunit epsilon 1; plus strand). Cytogenetic location: 15q21.2.
Variant type: single nucleotide variant.
Coding change: c.1379A>G on transcript NM_007347.5 (MANE Select); coding-DNA position 1379, A replaced by G.
Protein change: p.Asp460Gly; replaces aspartic acid 460 with glycine.
Molecular consequence: missense variant.
Genome position (GRCh38, 1-based): chr15:50,949,888, A>G. VCF-style: chr15-50949888-A-G. GRCh37 (hg19) VCF-style: chr15-51242085-A-G.
Other names: c.1154A>G, p.Asp385Gly (NM_001252127.2); short protein forms D460G, D385G.
Identifiers: ClinVar variation 2041153 (VCV002041153.4), dbSNP rs2064121744, ClinGen allele CA392417805.

ClinVar aggregate classification (germline): Uncertain significance (1 of 4 stars; one submission).

Conditions:
Spastic paraplegia. Identifiers: MedGen C0037772, HP:0001258.

Allele frequency attached by ClinVar (database versions not stated): gnomAD exomes below 0.00001.
gnomAD v4.1: 1 of 1,613,788 alleles (0.000062%); highest among the groups gnomAD compares: Non-Finnish European, 0.000085%; no homozygotes.

Submission:

Labcorp Genetics (formerly Invitae), Labcorp
Classification: Uncertain significance for Spastic paraplegia. Last evaluated: 2022-03-11. Review status: criteria provided, single submitter. Criteria: Invitae Variant Classification Sherloc (09022015). Collection method: clinical testing. Allele origin: germline.
Comment: In summary, the available evidence is currently insufficient to determine the role of this variant in disease. Therefore, it has been classified as a Variant of Uncertain Significance. Algorithms developed to predict the effect of missense changes on protein structure and function are either unavailable or do not agree on the potential impact of this missense change (SIFT: "Deleterious"; PolyPhen-2: "Probably Damaging"; Align-GVGD: "Class C0"). This variant has not been reported in the literature in individuals affected with AP4E1-related conditions. This variant is not present in population databases (gnomAD no frequency). This sequence change replaces aspartic acid, which is acidic and polar, with glycine, which is neutral and non-polar, at codon 460 of the AP4E1 protein (p.Asp460Gly).